The following is an entry in ClinVar:

NM_001098.3(ACO2):c.358G>A (p.Val120Met)

Gene: ACO2 (aconitase 2; plus strand). Cytogenetic location: 22q13.2.
Variant type: single nucleotide variant.
Coding change: c.358G>A on transcript NM_001098.3 (MANE Select); coding-DNA position 358, G replaced by A.
Protein change: p.Val120Met; replaces valine 120 with methionine.
Molecular consequence: missense variant.
Genome position (GRCh38, 1-based): chr22:41,507,975, G>A. VCF-style: chr22-41507975-G-A. GRCh37 (hg19) VCF-style: chr22-41903979-G-A.
Other names: short protein forms V120M.
Identifiers: ClinVar variation 845254 (VCV000845254.9), dbSNP rs2066406803, ClinGen allele CA411713745.

ClinVar aggregate classification (germline): Uncertain significance (1 of 4 stars; one submission).

Submission:

Labcorp Genetics (formerly Invitae), Labcorp
Classification: Uncertain significance. Last evaluated: 2019-11-26. Review status: criteria provided, single submitter. Criteria: Invitae Variant Classification Sherloc (09022015). Collection method: clinical testing. Allele origin: germline.
Comment: This variant is not present in population databases (ExAC no frequency). In summary, the available evidence is currently insufficient to determine the role of this variant in disease. Therefore, it has been classified as a Variant of Uncertain Significance. Algorithms developed to predict the effect of missense changes on protein structure and function are either unavailable or do not agree on the potential impact of this missense change (SIFT: "Deleterious"; PolyPhen-2: "Probably Damaging"; Align-GVGD: "Class C0"). This variant has not been reported in the literature in individuals with ACO2-related conditions. This sequence change replaces valine with methionine at codon 120 of the ACO2 protein (p.Val120Met). The valine residue is highly conserved and there is a small physicochemical difference between valine and methionine.